The following is an entry in ClinVar:

ClinVar aggregate classification (germline): Uncertain significance (1 of 4 stars; one submission).

Conditions:
Familial adenomatous polyposis 1 (FAP1). Also called: FAMILIAL ADENOMATOUS POLYPOSIS 1, ATTENUATED; POLYPOSIS, ADENOMATOUS INTESTINAL. Identifiers: MedGen C2713442, MONDO:0021056, OMIM 175100. Disease mechanism: loss of function.

Submission:

Labcorp Genetics (formerly Invitae), Labcorp
Classification: Uncertain significance for Familial adenomatous polyposis 1. Last evaluated: 2025-11-26. Review status: criteria provided, single submitter. Criteria: Invitae Variant Classification Sherloc (09022015). Collection method: clinical testing. Allele origin: germline.
Comment: This sequence change replaces tyrosine, which is neutral and polar, with histidine, which is basic and polar, at codon 825 of the APC protein (p.Tyr825His). This variant is not present in population databases (gnomAD no frequency). This variant has not been reported in the literature in individuals affected with APC-related conditions. Invitae Evidence Modeling of protein sequence and biophysical properties (such as structural, functional, and spatial information, amino acid conservation, physicochemical variation, residue mobility, and thermodynamic stability) indicates that this missense variant is not expected to disrupt APC protein function with a negative predictive value of 95%. In summary, the available evidence is currently insufficient to determine the role of this variant in disease. Therefore, it has been classified as a Variant of Uncertain Significance.

NM_000038.6(APC):c.2473T>C (p.Tyr825His)

Gene: APC (APC regulator of Wnt signaling pathway; plus strand). Cytogenetic location: 5q22.2.
Variant type: single nucleotide variant.
Coding change: c.2473T>C on transcript NM_000038.6 (MANE Select); coding-DNA position 2473, T replaced by C.
Protein change: p.Tyr825His; replaces tyrosine 825 with histidine.
Molecular consequence: missense variant. On other transcripts: non-coding transcript variant (2).
Genome position (GRCh38, 1-based): chr5:112,838,067, T>C. VCF-style: chr5-112838067-T-C. GRCh37 (hg19) VCF-style: chr5-112173764-T-C.
Other names: c.2473T>C, p.Tyr825His (NM_001127510.3, NM_001354895.2, NM_001407450.1); c.2419T>C, p.Tyr807His (NM_001127511.3); c.2527T>C, p.Tyr843His (NM_001354896.2, NM_001407447.1, NM_001407448.1 and 1 more transcripts); c.2503T>C, p.Tyr835His (NM_001354897.2); c.2398T>C, p.Tyr800His (NM_001354898.2); c.2389T>C, p.Tyr797His (NM_001354899.2); c.2350T>C, p.Tyr784His (NM_001354900.2); c.2296T>C, p.Tyr766His (NM_001354901.2, NM_001407453.1); and 11 more; short protein forms Y441H, Y542H, Y665H, Y696H, Y699H, Y724H, Y734H, Y742H.
Identifiers: ClinVar variation 4801452 (VCV004801452.1).